The following is an entry in ClinVar:

ClinVar aggregate classification (germline): Conflicting classifications of pathogenicity. Review status: criteria provided, conflicting classifications (1 of 4 stars). 3 submissions from 3 submitters: Uncertain significance (2); Benign (1). Last evaluated 2025-11-22.

Conditions:
Kabuki syndrome 1 (KABUK1). Also called: KMT2D-Related Kabuki Syndrome. Identifiers: Orphanet 2322, MedGen CN030661, MONDO:0007843, OMIM 147920.
Choanal atresia-athelia-hypothyroidism-delayed puberty-short stature syndrome (BCAHH). Also called: BRANCHIAL ARCH ABNORMALITIES, CHOANAL ATRESIA, ATHELIA, HEARING LOSS, AND HYPOTHYROIDISM SYNDROME. Identifiers: Orphanet 589856, MedGen C5680310, MONDO:0035651, OMIM 620186.
KMT2D-related disorder. Also called: KMT2D-Related Disorders.
Kabuki syndrome. Also called: Kabuki make-up syndrome; NIIKAWA-KUROKI SYNDROME. Identifiers: Orphanet 2322, MedGen C0796004, MONDO:0016512.

Allele frequency attached by ClinVar (database versions not stated): gnomAD exomes 0.00002 and below 0.00001; ExAC 0.00003; gnomAD 0.00001; TOPMed 0.00001.
gnomAD v4.1: 10 of 1,583,972 alleles (0.00063%); highest among the groups gnomAD compares: South Asian, 0.0023%; no homozygotes.

Submissions (3):

Labcorp Genetics (formerly Invitae), Labcorp
Classification: Benign for Kabuki syndrome. Last evaluated: 2025-11-22. Review status: criteria provided, single submitter. Criteria: Invitae Variant Classification Sherloc (09022015). Collection method: clinical testing. Allele origin: germline.

PreventionGenetics, part of Exact Sciences
Classification: Uncertain significance for KMT2D-related condition. Last evaluated: 2024-10-21. Review status: criteria provided, single submitter. Criteria: ACMG Guidelines, 2015. Collection method: clinical testing. Allele origin: germline.
Comment: The KMT2D c.3895C>T variant is predicted to result in the amino acid substitution p.Arg1299Cys. To our knowledge, this variant has not been reported in the literature. This variant is reported in 0.0052% of alleles in individuals of East Asian descent in gnomAD. At this time, the clinical significance of this variant is uncertain due to the absence of conclusive functional and genetic evidence.

Fulgent Genetics
Classification: Uncertain significance for Kabuki syndrome 1; Choanal atresia-athelia-hypothyroidism-delayed puberty-short stature syndrome. Last evaluated: 2024-03-12. Review status: criteria provided, single submitter. Criteria: ACMG Guidelines, 2015. Collection method: clinical testing. Allele origin: germline.

NM_003482.4(KMT2D):c.3895C>T (p.Arg1299Cys)

Genes: KMT2D (lysine methyltransferase 2D; minus strand), LOC126861520 (CDK7 strongly-dependent group 2 enhancer GRCh37_chr12:49442744-49443943; plus strand). Cytogenetic location: 12q13.12.
Variant type: single nucleotide variant.
Coding change: c.3895C>T on transcript NM_003482.4 (MANE Select); coding-DNA position 3895, C replaced by T.
Protein change: p.Arg1299Cys; replaces arginine 1299 with cysteine.
Molecular consequence: missense variant.
Genome position (GRCh38, 1-based): chr12:49,049,693, G>A on the plus strand (C>T on the coding strand, the complement: KMT2D is on the minus strand). VCF-style: chr12-49049693-G-A. GRCh37 (hg19) VCF-style: chr12-49443476-G-A.
Other names: c.3895C>T (NM_003482.3); short protein forms R1299C.
Identifiers: ClinVar variation 1356569 (VCV001356569.11), dbSNP rs773797737, ClinGen allele CA6547964.